The following is an entry in ClinVar:

ClinVar aggregate classification (germline): Uncertain significance. Review status: criteria provided, multiple submitters, no conflicts (2 of 4 stars). 2 submissions from 2 submitters: Uncertain significance (2). Last evaluated 2025-05-06.

Conditions:
Inborn genetic diseases. Identifiers: MedGen C0950123, MeSH D030342.
Familial cold autoinflammatory syndrome 3 (FCAS3). Also called: FAMILIAL ATYPICAL COLD URTICARIA; ANTIBODY DEFICIENCY AND IMMUNE DYSREGULATION, PLCG2-ASSOCIATED. Identifiers: Orphanet 300359, MedGen C3280914, MONDO:0013766, OMIM 614468.

Allele frequency attached by ClinVar (database versions not stated): TOPMed 0.00005.
gnomAD v4.1: 13 of 1,614,062 alleles (0.00081%); highest among the groups gnomAD compares: African/African-American, 0.013%; no homozygotes.

Submissions (2):

Labcorp Genetics (formerly Invitae), Labcorp
Classification: Uncertain significance for Familial cold autoinflammatory syndrome 3. Last evaluated: 2025-05-06. Review status: criteria provided, single submitter. Criteria: Invitae Variant Classification Sherloc (09022015). Collection method: clinical testing. Allele origin: germline.
Comment: This sequence change replaces asparagine, which is neutral and polar, with isoleucine, which is neutral and non-polar, at codon 1225 of the PLCG2 protein (p.Asn1225Ile). This variant is present in population databases (no rsID available, gnomAD 0.008%). This variant has not been reported in the literature in individuals affected with PLCG2-related conditions. ClinVar contains an entry for this variant (Variation ID: 2076384). An algorithm developed to predict the effect of missense changes on protein structure and function (PolyPhen-2) suggests that this variant is likely to be tolerated. In summary, the available evidence is currently insufficient to determine the role of this variant in disease. Therefore, it has been classified as a Variant of Uncertain Significance.

Ambry Genetics
Classification: Uncertain significance for Inborn genetic diseases. Last evaluated: 2024-01-23. Review status: criteria provided, single submitter. Criteria: Ambry Variant Classification Scheme 2023. Collection method: clinical testing. Allele origin: germline.

NM_002661.5(PLCG2):c.3674A>T (p.Asn1225Ile)

Gene: PLCG2 (phospholipase C gamma 2; plus strand). Cytogenetic location: 16q23.3.
Variant type: single nucleotide variant.
Coding change: c.3674A>T on transcript NM_002661.5 (MANE Select); coding-DNA position 3674, A replaced by T.
Protein change: p.Asn1225Ile; replaces asparagine 1225 with isoleucine.
Molecular consequence: missense variant.
Genome position (GRCh38, 1-based): chr16:81,956,798, A>T. VCF-style: chr16-81956798-A-T. GRCh37 (hg19) VCF-style: chr16-81990403-A-T.
Other names: short protein forms N1225I.
Identifiers: ClinVar variation 2076384 (VCV002076384.4), dbSNP rs1031241354, ClinGen allele CA285204825.